The following is an entry in ClinVar:

ClinVar aggregate classification (germline): Uncertain significance (1 of 4 stars; one submission).

gnomAD v4.1: 3 of 1,613,628 alleles (0.00019%); highest among the groups gnomAD compares: Non-Finnish European, 0.00025%; no homozygotes.

Submission:

Labcorp Genetics (formerly Invitae), Labcorp
Classification: Uncertain significance. Last evaluated: 2025-07-24. Review status: criteria provided, single submitter. Criteria: Invitae Variant Classification Sherloc (09022015). Collection method: clinical testing. Allele origin: germline.
Comment: This sequence change replaces alanine, which is neutral and non-polar, with glycine, which is neutral and non-polar, at codon 494 of the POLR1A protein (p.Ala494Gly). This variant is present in population databases (no rsID available, gnomAD 0.0009%). This variant has not been reported in the literature in individuals affected with POLR1A-related conditions. Invitae Evidence Modeling of protein sequence and biophysical properties (such as structural, functional, and spatial information, amino acid conservation, physicochemical variation, residue mobility, and thermodynamic stability) indicates that this missense variant is expected to disrupt POLR1A protein function with a positive predictive value of 80%. In summary, the available evidence is currently insufficient to determine the role of this variant in disease. Therefore, it has been classified as a Variant of Uncertain Significance.

NM_015425.6(POLR1A):c.1481C>G (p.Ala494Gly)

Gene: POLR1A (RNA polymerase I subunit A; minus strand). Cytogenetic location: 2p11.2.
Variant type: single nucleotide variant.
Coding change: c.1481C>G on transcript NM_015425.6 (MANE Select); coding-DNA position 1481, C replaced by G.
Protein change: p.Ala494Gly; replaces alanine 494 with glycine.
Molecular consequence: missense variant.
Genome position (GRCh38, 1-based): chr2:86,075,160, G>C on the plus strand (C>G on the coding strand, the complement: POLR1A is on the minus strand). VCF-style: chr2-86075160-G-C. GRCh37 (hg19) VCF-style: chr2-86302283-G-C.
Other names: short protein forms A494G.
Identifiers: ClinVar variation 4700486 (VCV004700486.1).